The following is an entry in ClinVar:

ClinVar aggregate classification (germline): Uncertain significance (1 of 4 stars; one submission).

Submission:

GeneDx
Classification: Uncertain significance. Last evaluated: 2025-04-25. Review status: criteria provided, single submitter. Criteria: GeneDx Variant Classification Process June 2021. Collection method: clinical testing. Allele origin: germline. Affected: yes.
Comment: Not observed at significant frequency in large population cohorts (gnomAD); In silico analysis supports that this missense variant has a deleterious effect on protein structure/function; Has not been previously published as pathogenic or benign to our knowledge

NM_199355.4(ADAMTS18):c.1656G>C (p.Arg552Ser)

Gene: ADAMTS18 (ADAM metallopeptidase with thrombospondin type 1 motif 18; minus strand). Cytogenetic location: 16q23.1.
Variant type: single nucleotide variant.
Coding change: c.1656G>C on transcript NM_199355.4 (MANE Select); coding-DNA position 1656, G replaced by C.
Protein change: p.Arg552Ser; replaces arginine 552 with serine.
Molecular consequence: missense variant.
Genome position (GRCh38, 1-based): chr16:77,341,758, C>G on the plus strand (G>C on the coding strand, the complement: ADAMTS18 is on the minus strand). VCF-style: chr16-77341758-C-G. GRCh37 (hg19) VCF-style: chr16-77375655-C-G.
Other names: c.1140G>C, p.Arg380Ser (NM_001326358.2); short protein forms R380S, R552S.
Identifiers: ClinVar variation 4527369 (VCV004527369.1).
Genomic context (GRCh38, chr16:77,341,758, plus strand): 5'-GTTTACCATACTCAAGCCACAAACGGTCCCTTCTGCTGCGGGCATAAACTTGGTCTCACA[C>G]CTGTGGCCTACTCGGTGGCACCAAAGTGATTTGCAAATATCCTGAAATAAAAAAAAAGGG-3'
Protein context (NP_955387.1, residues 542-562): KSLWCHRVGH[Arg552Ser]CETKFMPAAE